The following is an entry in ClinVar:

NM_001142864.4(PIEZO1):c.2622C>T (p.Leu874=)

Genes: HSALR1 (HSP90AB1 associated lncRNA 1; plus strand), PIEZO1 (piezo type mechanosensitive ion channel component 1 (Er blood group); minus strand). Cytogenetic location: 16q24.3.
Variant type: single nucleotide variant.
Coding change: c.2622C>T on transcript NM_001142864.4 (MANE Select); coding-DNA position 2622, C replaced by T.
Protein change: p.Leu874=; no amino-acid change (leucine 874 retained).
Molecular consequence: synonymous variant.
Genome position (GRCh38, 1-based): chr16:88,733,320, G>A on the plus strand (C>T on the coding strand, the complement: PIEZO1 is on the minus strand). VCF-style: chr16-88733320-G-A. GRCh37 (hg19) VCF-style: chr16-88799728-G-A.
Identifiers: ClinVar variation 755093 (VCV000755093.27), dbSNP rs533472355, ClinGen allele CA286422080.

ClinVar aggregate classification (germline): Likely benign. Review status: criteria provided, multiple submitters, no conflicts (2 of 4 stars). 2 submissions from 2 submitters: Likely benign (2). Last evaluated 2023-03-01.

Allele frequency attached by ClinVar (database versions not stated): TOPMed 0.00002; gnomAD 0.00003 and 0.00004; gnomAD exomes 0.00004 and 0.00005.
gnomAD v4.1: 72 of 1,549,538 alleles (0.0046%); highest among the groups gnomAD compares: Non-Finnish European, 0.0059%; no homozygotes.

Submissions (2):

CeGaT Center for Human Genetics Tuebingen
Classification: Likely benign. Last evaluated: 2023-03-01. Review status: criteria provided, single submitter. Criteria: CeGaT Center For Human Genetics Tuebingen Variant Classification Criteria Version 2. Collection method: clinical testing. Allele origin: germline. Affected: yes. Observed: 1 variant allele.
Comment: PIEZO1: BP4, BP7

Labcorp Genetics (formerly Invitae), Labcorp
Classification: Likely benign. Last evaluated: 2018-06-27. Review status: criteria provided, single submitter. Criteria: Invitae Variant Classification Sherloc (09022015). Collection method: clinical testing. Allele origin: germline.